The following is an entry in ClinVar:

ClinVar aggregate classification (germline): Uncertain significance (1 of 4 stars; one submission).

Submission:

CeGaT Center for Human Genetics Tuebingen
Classification: Uncertain significance. Last evaluated: 2022-12-01. Review status: criteria provided, single submitter. Criteria: CeGaT Center For Human Genetics Tuebingen Variant Classification Criteria Version 2. Collection method: clinical testing. Allele origin: germline. Affected: yes. Observed: 1 variant allele.
Comment: SLC12A5: PM2

NM_020708.5(SLC12A5):c.2258G>C (p.Gly753Ala)

Gene: SLC12A5 (solute carrier family 12 member 5; plus strand). Cytogenetic location: 20q13.12.
Variant type: single nucleotide variant.
Coding change: c.2258G>C on transcript NM_020708.5 (MANE Select); coding-DNA position 2258, G replaced by C.
Protein change: p.Gly753Ala; replaces glycine 753 with alanine.
Molecular consequence: missense variant.
Genome position (GRCh38, 1-based): chr20:46,051,751, G>C. VCF-style: chr20-46051751-G-C. GRCh37 (hg19) VCF-style: chr20-44680390-G-C.
Other names: c.2327G>C, p.Gly776Ala (NM_001134771.2); short protein forms G753A, G776A.
Identifiers: ClinVar variation 2652361 (VCV002652361.24), dbSNP rs2515649311, ClinGen allele CA409203307.